The following is an entry in ClinVar:

NM_022124.6(CDH23):c.2161_2166delinsGTGA (p.Ile721fs)

Gene: CDH23 (cadherin related 23; plus strand). Cytogenetic location: 10q22.1.
Variant type: Indel.
Coding change: c.2161_2166delinsGTGA on transcript NM_022124.6 (MANE Select); coding-DNA positions 2161 to 2166, ATCAAT replaced by GTGA.
Protein change: p.Ile721fs; shifts the reading frame from isoleucine 721.
Molecular consequence: frameshift variant.
Genome position (GRCh38, 1-based): chr10:71,690,569-71,690,574, ATCAAT replaced by GTGA. VCF-style: chr10-71690569-ATCAAT-GTGA. GRCh37 (hg19) VCF-style: chr10-73450326-ATCAAT-GTGA.
Other names: c.2161_2166delinsGTGA, p.Ile721fs (NM_001171930.2, NM_001171931.2); c.2161_2166delinsGTGA (NM_022124.5); short protein forms I721fs.
Identifiers: ClinVar variation 2680493 (VCV002680493.2), dbSNP rs2494001262, ClinGen allele CA2695199517.

ClinVar aggregate classification (germline): Likely pathogenic. Review status: criteria provided, multiple submitters, no conflicts (2 of 4 stars). 2 submissions from 2 submitters: Likely pathogenic (2). Last evaluated 2026-01-27.

Conditions:
Usher syndrome type 1 (USH1). Also called: RETINITIS PIGMENTOSA AND CONGENITAL DEAFNESS. Identifiers: Orphanet 231169, Orphanet 886, MedGen C1568247, MONDO:0010168, OMIM 276900.
Pituitary adenoma 5, multiple types. Identifiers: MedGen C4539685, MONDO:0054601, OMIM 617540.

Submissions (2):

Natera, Inc.
Classification: Likely pathogenic for Usher syndrome type 1. Last evaluated: 2026-01-27. Review status: criteria provided, single submitter. Criteria: Natera Variant Classification Schema (03/2026). Collection method: clinical testing. Allele origin: germline.
Comment: The c.2161_2166delinsGTGA variant in CDH23 is a frameshift variant predicted to shift the reading frame beginning at codon 721 and leads to a stop codon 14 codons downstream. This variant is expected to result in nonsense mediated decay, truncation, or a dysfunctional protein product. This variant is rare in the general population with a frequency below the threshold expected for the associated phenotype(s). Given the available evidence, this variant is classified as Likely Pathogenic.

Baylor Genetics
Classification: Likely pathogenic for Pituitary adenoma 5, multiple types. Last evaluated: 2023-04-17. Review status: criteria provided, single submitter. Criteria: ACMG Guidelines, 2015. Collection method: clinical testing. Allele origin: unknown.